The following is an entry in ClinVar:

ClinVar aggregate classification (germline): Uncertain significance (1 of 4 stars; one submission).

Submission:

Labcorp Genetics (formerly Invitae), Labcorp
Classification: Uncertain significance. Last evaluated: 2023-11-27. Review status: criteria provided, single submitter. Criteria: Invitae Variant Classification Sherloc (09022015). Collection method: clinical testing. Allele origin: germline.
Comment: This sequence change creates a premature translational stop signal (p.Arg170*) in the LOXL3 gene. It is expected to result in an absent or disrupted protein product. However, the current clinical and genetic evidence is not sufficient to establish whether loss-of-function variants in LOXL3 cause disease. This variant is not present in population databases (gnomAD no frequency). This variant has not been reported in the literature in individuals affected with LOXL3-related conditions. ClinVar contains an entry for this variant (Variation ID: 1996241). In summary, the available evidence is currently insufficient to determine the role of this variant in disease. Therefore, it has been classified as a Variant of Uncertain Significance.

NM_032603.5(LOXL3):c.508C>T (p.Arg170Ter)

Genes: DOK1 (docking protein 1; plus strand), LOXL3 (lysyl oxidase like 3; minus strand). Cytogenetic location: 2p13.1.
Variant type: single nucleotide variant.
Coding change: c.508C>T on transcript NM_032603.5 (MANE Select); coding-DNA position 508, C replaced by T.
Protein change: p.Arg170Ter; replaces arginine 170 with a stop codon.
Molecular consequence: nonsense. On other transcripts: intron variant (2).
Genome position (GRCh38, 1-based): chr2:74,549,553, G>A on the plus strand (C>T on the coding strand, the complement: LOXL3 is on the minus strand). VCF-style: chr2-74549553-G-A. GRCh37 (hg19) VCF-style: chr2-74776680-G-A.
Other names: c.477+632C>T (NM_001289164.3); c.-358+381G>A (NM_001197260.2); short protein forms R170*.
Identifiers: ClinVar variation 1996241 (VCV001996241.4), dbSNP rs2530018641, ClinGen allele CA347395095.